The following is an entry in ClinVar:

NM_000256.3(MYBPC3):c.2894_2905+4del

Gene: MYBPC3 (myosin binding protein C3; minus strand). Cytogenetic location: 11p11.2.
Variant type: Deletion.
Coding change: c.2894_2905+4del on transcript NM_000256.3 (MANE Select); coding-DNA position 2894 through 4 bases into the intron after coding-DNA position 2905, 16 bases deleted (AGGAGATCCTGCGTGA).
Genome position (GRCh38, 1-based): chr11:47,335,038-47,335,053, TCACGCAGGATCTCCT deleted on the plus strand (AGGAGATCCTGCGTGA on the coding strand, the reverse complement: MYBPC3 is on the minus strand). VCF-style (leftmost placement, unchanged base first): chr11-47335037-CTCACGCAGGATCTCCT-C. GRCh37 (hg19) VCF-style: chr11-47356588-CTCACGCAGGATCTCCT-C.
Other names: c.2894_2905+4del (LRG_386t1).
Identifiers: ClinVar variation 181153 (VCV000181153.1), dbSNP rs730880717, ClinGen allele CA296494.

ClinVar aggregate classification (germline): Pathogenic (1 of 4 stars; one submission).

Conditions:
Cardiomyopathy (CMYO). Also called: Cardiomyopathies. Identifiers: Orphanet 167848, MedGen C0878544, MONDO:0004994, HP:0001638. Inheritance: Various modes of inheritance.

Submission:

GeneDx
Classification: Pathogenic for Cardiomyopathy. Last evaluated: 2014-09-04. Review status: criteria provided, single submitter. Criteria: GeneDx Variant Classification (06012015). Collection method: clinical testing. Allele origin: germline. Affected: yes.
Comment: c.2894_2905+4del in the exon 27/intron 27 junction of the MYBPC3 gene (NM_000256.3). The normal sequence with the bases that are deleted in braces is: GTGC{delAGGAGATCCTGCGTGA}gtgc. Upper case letters represent exonic sequence; lower case letters represent intronic sequence. Although c.2894_2905+4del has not been reported as a disease-causing mutation to our knowledge, this mutation results in a deletion across the junction of exon/intron 27, leading to the destruction of the natural splice donor site. The mutation is predicted to lead to either an abnormal message that is subject to nonsense-mediated mRNA decay, or to an abnormal protein product if the message is used for protein translation. Other splice site mutations in the MYBPC3 gene have been reported in association with HCM and DCM. Additionally, the c.2894_2905+4del mutation was not observed in approximately 6,100 individuals of European and African American ancestry in the NHLBI Exome Sequencing Project, indicating it is not a common benign variant in these populations. In summary, c.2894_2905+4del in the MYBPC3 gene is interpreted as a disease-causing mutation. The variant is found in HCM panel(s).